The following is an entry in ClinVar:

NM_015338.6(ASXL1):c.3022C>T (p.His1008Tyr)

Gene: ASXL1 (ASXL transcriptional regulator 1; plus strand). Cytogenetic location: 20q11.21.
Variant type: single nucleotide variant.
Coding change: c.3022C>T on transcript NM_015338.6 (MANE Select); coding-DNA position 3022, C replaced by T.
Protein change: p.His1008Tyr; replaces histidine 1008 with tyrosine.
Molecular consequence: missense variant.
Genome position (GRCh38, 1-based): chr20:32,435,734, C>T. VCF-style: chr20-32435734-C-T. GRCh37 (hg19) VCF-style: chr20-31023537-C-T.
Other names: c.2839C>T, p.His947Tyr (NM_001363734.1); short protein forms H1008Y, H947Y.
Identifiers: ClinVar variation 3955018 (VCV003955018.1).

ClinVar aggregate classification (germline): Uncertain significance (1 of 4 stars; one submission).

Conditions:
Inborn genetic diseases. Identifiers: MedGen C0950123, MeSH D030342.

Submission:

Ambry Genetics
Classification: Uncertain significance for Inborn genetic diseases. Last evaluated: 2025-03-20. Review status: criteria provided, single submitter. Criteria: Ambry Variant Classification Scheme 2023. Collection method: clinical testing. Allele origin: germline.
Comment: The p.H1008Y variant (also known as c.3022C>T), located in coding exon 13 of the ASXL1 gene, results from a C to T substitution at nucleotide position 3022. The histidine at codon 1008 is replaced by tyrosine, an amino acid with similar properties. This amino acid position is conserved. In addition, this alteration is predicted to be tolerated by in silico analysis. Based on the available evidence, the clinical significance of this variant remains unclear.